The following is an entry in ClinVar:

ClinVar aggregate classification (germline): Likely pathogenic (1 of 4 stars; one submission).

Submission:

Labcorp Genetics (formerly Invitae), Labcorp
Classification: Likely pathogenic. Last evaluated: 2022-09-27. Review status: criteria provided, single submitter. Criteria: Invitae Variant Classification Sherloc (09022015). Collection method: clinical testing. Allele origin: germline.
Comment: This sequence change affects an acceptor splice site in intron 4 of the EMC1 gene. It is expected to disrupt RNA splicing. Variants that disrupt the donor or acceptor splice site typically lead to a loss of protein function (PMID: 16199547), and loss-of-function variants in EMC1 are known to be pathogenic (PMID: 26572623, 26942288, 29271071). This variant is not present in population databases (gnomAD no frequency). This variant has not been reported in the literature in individuals affected with EMC1-related conditions. Algorithms developed to predict the effect of sequence changes on RNA splicing suggest that this variant may disrupt the consensus splice site. In summary, the currently available evidence indicates that the variant is pathogenic, but additional data are needed to prove that conclusively. Therefore, this variant has been classified as Likely Pathogenic.

Literature cited by the submitters: PubMed 16199547; PubMed 26572623; PubMed 26942288; PubMed 29271071.

NM_015047.3(EMC1):c.381-2A>G

Gene: EMC1 (ER membrane protein complex subunit 1; minus strand). Cytogenetic location: 1p36.13.
Variant type: single nucleotide variant.
Coding change: c.381-2A>G on transcript NM_015047.3 (MANE Select); the canonical splice acceptor site of the intron before coding-DNA position 381, A replaced by G.
Molecular consequence: splice acceptor variant.
Genome position (GRCh38, 1-based): chr1:19,242,475, T>C on the plus strand (A>G on the coding strand, the complement: EMC1 is on the minus strand). VCF-style: chr1-19242475-T-C. GRCh37 (hg19) VCF-style: chr1-19568969-T-C.
Other names: c.315-2A>G (NM_001271429.2); c.381-2A>G (NM_001271427.2, NM_001375821.1, NM_001271428.2 and 1 more transcripts).
Identifiers: ClinVar variation 2032955 (VCV002032955.4), dbSNP rs150431800, ClinGen allele CA338770902.